The following is an entry in ClinVar:

ClinVar aggregate classification (germline): Uncertain significance. Review status: criteria provided, multiple submitters, no conflicts (2 of 4 stars). 3 submissions from 3 submitters: Uncertain significance (3). Last evaluated 2025-05-02.

Conditions:
Hereditary cancer-predisposing syndrome. Also called: Neoplastic Syndromes, Hereditary; Tumor predisposition; Hereditary Cancer Syndrome; Hereditary neoplastic syndrome. Identifiers: Orphanet 140162, MedGen C0027672, MeSH D009386, MONDO:0015356.

Submissions (3):

Ambry Genetics
Classification: Uncertain significance for Hereditary cancer-predisposing syndrome. Last evaluated: 2025-05-02. Review status: criteria provided, single submitter. Criteria: Ambry Variant Classification Scheme 2023. Collection method: clinical testing. Allele origin: germline.
Comment: The p.G137R variant (also known as c.409G>A), located in coding exon 4 of the BARD1 gene, results from a G to A substitution at nucleotide position 409. The glycine at codon 137 is replaced by arginine, an amino acid with dissimilar properties. This amino acid position is conserved. In addition, this alteration is predicted to be tolerated by in silico analysis. Based on the available evidence, the clinical significance of this variant remains unclear.

Quest Diagnostics Nichols Institute San Juan Capistrano
Classification: Uncertain significance. Last evaluated: 2024-03-28. Review status: criteria provided, single submitter. Criteria: Quest Diagnostics criteria. Collection method: clinical testing. Allele origin: unknown.
Comment: The BARD1 c.409G>A (p.Gly137Arg) variant has not been reported in individuals with BARD1-related conditions in the published literature. It also has not been reported in large, multi-ethnic general populations (Genome Aggregation Database). Analysis of this variant using bioinformatics tools for the prediction of the effect of amino acid changes on protein structure and function yielded predictions that this variant is benign. Based on the available information, we are unable to determine the clinical significance of this variant.

Color Diagnostics, LLC DBA Color Health
Classification: Uncertain significance for Hereditary cancer-predisposing syndrome. Last evaluated: 2023-12-04. Review status: criteria provided, single submitter. Criteria: ACMG Guidelines, 2015. Collection method: clinical testing. Allele origin: germline.
Comment: This missense variant replaces glycine with arginine at codon 137 of the BARD1 protein. Computational prediction suggests that this variant may not impact protein structure and function (internally defined REVEL score threshold <= 0.5, PMID: 27666373). To our knowledge, functional studies have not been reported for this variant. This variant has not been reported in individuals affected with BARD1-related disorders in the literature. This variant has not been identified in the general population by the Genome Aggregation Database (gnomAD). The available evidence is insufficient to determine the role of this variant in disease conclusively. Therefore, this variant is classified as a Variant of Uncertain Significance.

NM_000465.4(BARD1):c.409G>A (p.Gly137Arg)

Gene: BARD1 (BRCA1 associated RING domain 1; minus strand). Cytogenetic location: 2q35.
Variant type: single nucleotide variant.
Coding change: c.409G>A on transcript NM_000465.4 (MANE Select); coding-DNA position 409, G replaced by A.
Protein change: p.Gly137Arg; replaces glycine 137 with arginine.
Molecular consequence: missense variant. On other transcripts: non-coding transcript variant (2), intron variant (3).
Genome position (GRCh38, 1-based): chr2:214,781,465, C>T on the plus strand (G>A on the coding strand, the complement: BARD1 is on the minus strand). VCF-style: chr2-214781465-C-T. GRCh37 (hg19) VCF-style: chr2-215646189-C-T.
Other names: c.352G>A, p.Gly118Arg (NM_001282543.2); c.158+27947G>A (NM_001282548.2); c.215+15596G>A (NM_001282545.2); c.364+10832G>A (NM_001282549.2); c.409G>A (NM_000465.3, NM_000465.2); short protein forms G137R, G118R.
Identifiers: ClinVar variation 927131 (VCV000927131.6), dbSNP rs1695031160, ClinGen allele CA350458009.